The following is an entry in ClinVar:

NM_001358921.2(COQ2):c.934G>A (p.Ala312Thr)

Gene: COQ2 (coenzyme Q2, polyprenyltransferase; minus strand). Cytogenetic location: 4q21.23.
Variant type: single nucleotide variant.
Coding change: c.934G>A on transcript NM_001358921.2 (MANE Select); coding-DNA position 934, G replaced by A.
Protein change: p.Ala312Thr; replaces alanine 312 with threonine.
Molecular consequence: missense variant.
Genome position (GRCh38, 1-based): chr4:83,267,603, C>T on the plus strand (G>A on the coding strand, the complement: COQ2 is on the minus strand). VCF-style: chr4-83267603-C-T. GRCh37 (hg19) VCF-style: chr4-84188756-C-T.
Other names: p.Ala362Thr; c.1084G>A (NM_015697.8); c.1084G>A, p.Ala362Thr (NM_015697.9); short protein forms A312T, A362T.
Identifiers: ClinVar variation 3370074 (VCV003370074.2).
Genomic context (GRCh38, chr4:83,267,603, plus strand): 5'-TATACCAAGGAAATATGAGGGACAAATAAGAAAAAGGTCAAACCTGGTGAGTCAGATGGG[C>T]TCCTACAGCACCCAGGGCAGCGTAGTAGGGAGCAGTCTGTCCACTGTTCACACCCACTAG-3'
Protein context (NP_001345850.1, residues 302-322): PYYAALGAVG[Ala312Thr]HLTHQIYTLD

ClinVar aggregate classification (germline): Uncertain significance. Review status: criteria provided, multiple submitters, no conflicts (2 of 4 stars). 2 submissions from 2 submitters: Uncertain significance (2). Last evaluated 2025-08-21.

Submissions (2):

Mayo Clinic Laboratories, Mayo Clinic
Classification: Uncertain significance. Last evaluated: 2025-08-21. Review status: criteria provided, single submitter. Criteria: ACMG Guidelines, 2015. Collection method: clinical testing. Allele origin: germline. Observed: 1 variant allele.
Comment: PM2_supporting

GeneDx
Classification: Uncertain significance. Last evaluated: 2023-12-27. Review status: criteria provided, single submitter. Criteria: GeneDx Variant Classification Process June 2021. Collection method: clinical testing. Allele origin: germline. Affected: yes.
Comment: Not observed at significant frequency in large population cohorts (gnomAD); In silico analysis supports that this missense variant does not alter protein structure/function; Has not been previously published as pathogenic or benign to our knowledge